The following is an entry in ClinVar:

NM_000266.4(NDP):c.174+1G>C

Genes: NDP (norrin cystine knot growth factor NDP; minus strand), NDP-AS1 (NDP antisense RNA 1; plus strand). Cytogenetic location: Xp11.3.
Variant type: single nucleotide variant.
Coding change: c.174+1G>C on transcript NM_000266.4 (MANE Select); the canonical splice donor site of the intron after coding-DNA position 174, G replaced by C.
Molecular consequence: splice donor variant.
Genome position (GRCh38, 1-based): chrX:43,958,471, C>G on the plus strand (G>C on the coding strand, the complement: NDP is on the minus strand). VCF-style: chrX-43958471-C-G. GRCh37 (hg19) VCF-style: chrX-43817717-C-G.
Identifiers: ClinVar variation 3338823 (VCV003338823.1).
Genomic context (GRCh38, chrX:43,958,471, plus strand): 5'-AAATATGGCTTCTTGCCTGTTTCTGAGGGAAATGCTCTCCTCACAGAGACCTTGGTCTTA[C>G]CTTTGAGCTACACTTGTACAATGGGTGACTGATAGAATCCACATAGTGGTGCCTCATGCA-3'

ClinVar aggregate classification (germline): Pathogenic (1 of 4 stars; one submission).

Submission:

GeneDx
Classification: Pathogenic. Last evaluated: 2024-02-24. Review status: criteria provided, single submitter. Criteria: GeneDx Variant Classification Process June 2021. Collection method: clinical testing. Allele origin: germline. Affected: yes.
Comment: Canonical splice site variant predicted to result in an in-frame loss of the adjacent exon in a gene for which loss of function is a known mechanism of disease; This variant is associated with the following publications: (PMID: 25525159, 8807344, 36035112)